The following is an entry in ClinVar:

NM_017802.4(DNAAF5):c.1499G>T (p.Cys500Phe)

Gene: DNAAF5 (dynein axonemal assembly factor 5; plus strand). Cytogenetic location: 7p22.3.
Variant type: single nucleotide variant.
Coding change: c.1499G>T on transcript NM_017802.4 (MANE Select); coding-DNA position 1499, G replaced by T.
Protein change: p.Cys500Phe; replaces cysteine 500 with phenylalanine.
Molecular consequence: missense variant. On other transcripts: non-coding transcript variant (1).
Genome position (GRCh38, 1-based): chr7:761,781, G>T. VCF-style: chr7-761781-G-T. GRCh37 (hg19) VCF-style: chr7-801418-G-T.
Other names: short protein forms C500F.
Identifiers: ClinVar variation 410302 (VCV000410302.17), dbSNP rs144405450, ClinGen allele CA4110766.

ClinVar aggregate classification (germline): Pathogenic/Likely pathogenic. Review status: criteria provided, multiple submitters, no conflicts (2 of 4 stars). 8 submissions from 8 submitters: Pathogenic (2); Likely pathogenic (4). 2 of the submissions do not count toward it. Last evaluated 2026-08-27.

Conditions:
DNAAF5-related disorders.
Primary ciliary dyskinesia. Also called: Ciliary dyskinesia. Identifiers: Orphanet 244, MedGen C0008780, MONDO:0016575, HP:0012265.
Primary ciliary dyskinesia 18. Also called: CILIARY DYSKINESIA, PRIMARY, 18, WITH OR WITHOUT SITUS INVERSUS. Identifiers: Orphanet 244, MedGen C3543825, MONDO:0013940, OMIM 614874.

Allele frequency attached by ClinVar (database versions not stated): gnomAD exomes 0.00021 and 0.00010; ESP Exome Variant Server 0.00031; TOPMed 0.00014; ExAC 0.00017.
gnomAD v4.1: 319 of 1,608,784 alleles (0.02%); highest among the groups gnomAD compares: Non-Finnish European, 0.026%; no homozygotes.

Submissions (8):

Ambry Genetics
Classification: Likely pathogenic for Primary ciliary dyskinesia. Last evaluated: 2026-08-27. Review status: criteria provided, single submitter. Criteria: Ambry Variant Classification Scheme 2023. Collection method: clinical testing. Allele origin: germline.
Comment: The p.C500F variant (also known as c.1499G>T), located in coding exon 7 of the DNAAF5 gene, results from a G to T substitution at nucleotide position 1499. The cysteine at codon 500 is replaced by phenylalanine, an amino acid with highly dissimilar properties. This variant has been identified in the homozygous state and/or in conjunction with other DNAAF5 variant(s) in individual(s) with features consistent with DNAAF5-related primary ciliary dyskinesia (Horani A et al. Proc. Natl. Acad. Sci. U.S.A., 2018 02;115:E1221-E1228; Paff T et al. Hum Mutat, 2018 May;39:653-665; Zahid M et al. PLoS One, 2018 Feb;13:e0191605; Legebeke J et al. Hum Mol Genet, 2025 Jan;34:148-160). This amino acid position is highly conserved in available vertebrate species. In addition, this alteration is predicted to be deleterious by in silico analysis. Based on the majority of available evidence to date, this variant is likely to be pathogenic.

Labcorp Genetics (formerly Invitae), Labcorp
Classification: Pathogenic for Primary ciliary dyskinesia. Last evaluated: 2026-01-28. Review status: criteria provided, single submitter. Criteria: Invitae Variant Classification Sherloc (09022015). Collection method: clinical testing. Allele origin: germline.
Comment: This sequence change replaces cysteine, which is neutral and slightly polar, with phenylalanine, which is neutral and non-polar, at codon 500 of the DNAAF5 protein (p.Cys500Phe). This variant is present in population databases (rs144405450, gnomAD 0.02%). This missense change has been observed in individual(s) with primary ciliary dyskinesia (PMID: 29358401, 29363216). It has also been observed to segregate with disease in related individuals. ClinVar contains an entry for this variant (Variation ID: 410302). Invitae Evidence Modeling of protein sequence and biophysical properties (such as structural, functional, and spatial information, amino acid conservation, physicochemical variation, residue mobility, and thermodynamic stability) indicates that this missense variant is expected to disrupt DNAAF5 protein function with a positive predictive value of 80%. Experimental studies are conflicting or provide insufficient evidence to determine the effect of this variant on DNAAF5 function (PMID: 29358401). For these reasons, this variant has been classified as Pathogenic.

GeneDx
Classification: Likely pathogenic. Last evaluated: 2025-09-10. Review status: criteria provided, single submitter. Criteria: GeneDx Variant Classification Process June 2021. Collection method: clinical testing. Allele origin: germline. Affected: yes.
Comment: Published functional studies in mice demonstrate a damaging effect which results in cilia defects, reduced cilia motility, and developmental abnormalities (PMID: 36712068); In silico analysis supports that this missense variant has a deleterious effect on protein structure/function; This variant is associated with the following publications: (PMID: 29358401, 39536325, 36712068, 29363216)

Blueprint Genetics
Classification: Pathogenic for DNAAF5-related disorders. Last evaluated: 2024-10-21. Review status: criteria provided, single submitter. Criteria: ACMG Guidelines, 2015. Collection method: clinical testing. Allele origin: germline. Affected: yes. Observed: 5 variant alleles.

Johns Hopkins Genomics, Johns Hopkins University
Classification: Likely pathogenic for Primary ciliary dyskinesia 18. Last evaluated: 2023-12-14. Review status: criteria provided, single submitter. Criteria: ACMG Guidelines, 2015. Collection method: clinical testing. Allele origin: germline.
Comment: This DNAAF5 missense variant has been reported in the compound heterozygous and homozygous states in individuals with primary ciliary dyskinesia, and has also been shown to segregate with disease . It (rs144405450) is rare (<0.1%) in a large population dataset (gnomAD v4.0.0: 319/1608784 total alleles; 0.02%; no homozygotes), and has been reported in ClinVar (Variation ID 410302). Two bioinformatic tools queried predict that this substitution would be damaging, and the cysteine residue at this position is evolutionarily conserved across all of the species assessed. Additionally, functional studies support the prediction that this variant is deleterious, although these findings are insufficient to make a conclusion at this time. We consider c.1499G>T in DNAAF5 to be likely pathogenic.

Genetics and Molecular Pathology, SA Pathology
Classification: Likely pathogenic for Primary ciliary dyskinesia 18. Last evaluated: 2023-07-04. Review status: criteria provided, single submitter. Criteria: ACMG Guidelines, 2015. Collection method: clinical testing. Allele origin: germline. Inheritance: Autosomal recessive inheritance. Affected: yes.
Comment: The DNAAF5 c.1499G>T variant is classified as Likely Pathogenic (PM2, PM3, PP1_Supporting, PS3_Supporting) The DNAAF5 c.1499G>T variant is a single nucleotide change in exon 7/13 of the DNAAF5 gene, which is predicted to change the amino acid cysteine at position 500 in the protein to phenylalanine. The variant is rare in population databases (gnomAD allele frequency = 0.011%; 18 het and 0 hom in 152,244 sequenced alleles) (PM2). The variant has been reported in dbSNP (rs144405450), the HGMD database as disease causing (CM184879) and with conflicting interpretations of pathogenicity by other diagnostic laboratories (ClinVar Variation ID: 410302). It has been reported in the literature in a pair of siblings with PCD who also harboured a DNAAF5 frameshift variant, however the phase was not specified (PMID: 29363216). The variant has been reported in the homozygous state in two siblings affected by PCD (PMID: 29358401) (PM3, PP1_Supporting). The homozygous siblings both showed mild sinusitis, mild otitis media and absent inner/outer dynein arms on TEM. The proband also presented with situs inversus. Functional studies by the authors using patients' nasal epithelial cells showed a detrimental effect on protein function (PS3_Supporting).

OMIM
Classification: Pathogenic for CILIARY DYSKINESIA, PRIMARY, 18. Last evaluated: 2019-09-12. Review status: no assertion criteria provided. Collection method: literature only. Allele origin: germline. Not counted in ClinVar's aggregate classification.

Fulgent Genetics
Classification: Uncertain significance for Primary ciliary dyskinesia 18. Last evaluated: 2018-10-31. Review status: flagged submission. Criteria: ACMG Guidelines, 2015. Collection method: clinical testing. Allele origin: unknown. Not counted in ClinVar's aggregate classification.
ClinVar note: Reason: Outlier claim with insufficient supporting evidence

Literature cited by the submitters: PubMed 29358401 (cited by 4 submitters); PubMed 29363216 (cited by 5 submitters); PubMed 29444099 (cited by Ambry Genetics); PubMed 39536325 (cited by Ambry Genetics); PubMed 37104040 (cited by Johns Hopkins Genomics, Johns Hopkins University).